The following is an entry in ClinVar:

NM_001281740.3(FHOD3):c.172G>C (p.Asp58His)

Gene: FHOD3 (formin homology 2 domain containing 3; plus strand). Cytogenetic location: 18q12.2.
Variant type: single nucleotide variant.
Coding change: c.172G>C on transcript NM_001281740.3 (MANE Select); coding-DNA position 172, G replaced by C.
Protein change: p.Asp58His; replaces aspartic acid 58 with histidine.
Molecular consequence: missense variant.
Genome position (GRCh38, 1-based): chr18:36,355,545, G>C. VCF-style: chr18-36355545-G-C. GRCh37 (hg19) VCF-style: chr18-33935508-G-C.
Other names: c.172G>C, p.Asp58His (NM_001281739.3, NM_025135.5); short protein forms D58H.
Identifiers: ClinVar variation 1708103 (VCV001708103.1), dbSNP rs2511834881, ClinGen allele CA402292179.

ClinVar aggregate classification (germline): Uncertain significance (1 of 4 stars; one submission).

Conditions:
Cardiomyopathy, familial hypertrophic, 28. Identifiers: MedGen C5543616, MONDO:0030317, OMIM 619402.

Submission:

Laboratory of Medical Genetics, National & Kapodistrian University of Athens
Classification: Uncertain significance for Cardiomyopathy, familial hypertrophic, 28. Last evaluated: 2022-02-08. Review status: criteria provided, single submitter. Criteria: ACMG Guidelines, 2015. Collection method: clinical testing. Allele origin: germline. Affected: yes.
Comment: PM2, PP3, BP1